The following is an entry in ClinVar:

NM_032634.4(PIGO):c.1841C>T (p.Pro614Leu)

Gene: PIGO (phosphatidylinositol glycan anchor biosynthesis class O; minus strand). Cytogenetic location: 9p13.3.
Variant type: single nucleotide variant.
Coding change: c.1841C>T on transcript NM_032634.4 (MANE Select); coding-DNA position 1841, C replaced by T.
Protein change: p.Pro614Leu; replaces proline 614 with leucine.
Molecular consequence: missense variant. On other transcripts: intron variant (2).
Genome position (GRCh38, 1-based): chr9:35,092,046, G>A on the plus strand (C>T on the coding strand, the complement: PIGO is on the minus strand). VCF-style: chr9-35092046-G-A. GRCh37 (hg19) VCF-style: chr9-35092043-G-A.
Other names: c.1344+497C>T (NM_152850.4, NM_001201484.2); short protein forms P614L.
Identifiers: ClinVar variation 946844 (VCV000946844.8), dbSNP rs749184960, ClinGen allele CA5040553.
Genomic context (GRCh38, chr9:35,092,046, plus strand): 5'-AGCCTTGTACATAAAAGCAACCCAATTCCAAGCCTCAGGGCATATGCACCATTGTGCCGT[G>A]GGGGGTTTGTTGTGGCTGAAGTGCCAAGGCGGGGCATTGTGAGTAGCTTAGGTGGAAGCA-3'
Protein context (NP_116023.2, residues 604-624): RLGTSATTNP[Pro614Leu]RHNGAYALRL

ClinVar aggregate classification (germline): Uncertain significance. Review status: criteria provided, multiple submitters, no conflicts (2 of 4 stars). 2 submissions from 2 submitters: Uncertain significance (2). Last evaluated 2024-10-21.

Conditions:
Inborn genetic diseases. Identifiers: MedGen C0950123, MeSH D030342.
Hyperphosphatasia with impaired intellectual development syndrome 2. Also called: Hyperphosphatasia with intellectual disability syndrome 2; GLYCOSYLPHOSPHATIDYLINOSITOL BIOSYNTHESIS DEFECT 6. Identifiers: Orphanet 247262, MedGen C3553637, MONDO:0013882, OMIM 614749.

Allele frequency attached by ClinVar (database versions not stated): gnomAD 0.00004; TOPMed 0.00005.
gnomAD v4.1: 10 of 1,614,108 alleles (0.00062%); highest among the groups gnomAD compares: African/African-American, 0.012%; no homozygotes.

Submissions (2):

Ambry Genetics
Classification: Uncertain significance for Inborn genetic diseases. Last evaluated: 2024-10-21. Review status: criteria provided, single submitter. Criteria: Ambry Variant Classification Scheme 2023. Collection method: clinical testing. Allele origin: germline.

Labcorp Genetics (formerly Invitae), Labcorp
Classification: Uncertain significance for Hyperphosphatasia with impaired intellectual development syndrome 2. Last evaluated: 2021-08-31. Review status: criteria provided, single submitter. Criteria: Invitae Variant Classification Sherloc (09022015). Collection method: clinical testing. Allele origin: germline.
Comment: This sequence change replaces proline with leucine at codon 614 of the PIGO protein (p.Pro614Leu). The proline residue is moderately conserved and there is a moderate physicochemical difference between proline and leucine. This variant is present in population databases (rs749184960, ExAC 0.01%). This variant has not been reported in the literature in individuals affected with PIGO-related conditions. Algorithms developed to predict the effect of missense changes on protein structure and function (SIFT, PolyPhen-2, Align-GVGD) all suggest that this variant is likely to be tolerated. In summary, the available evidence is currently insufficient to determine the role of this variant in disease. Therefore, it has been classified as a Variant of Uncertain Significance.